The following is an entry in ClinVar:

ClinVar aggregate classification (germline): Likely pathogenic (1 of 4 stars; one submission).

Submission:

GeneDx
Classification: Likely pathogenic. Last evaluated: 2014-09-05. Review status: criteria provided, single submitter. Criteria: GeneDx Variant Classification (06012015). Collection method: clinical testing. Allele origin: germline. Affected: yes.
Comment: p.Glu159Val (GAG>GTG): c.476 A>T in exon 4 of the TYMP gene (NM_001953.3). The E159V variant in the TYMP gene is likely pathogenic. It has not been published as a mutation, nor has it been reported as a benign polymorphism to our knowledge. The E159V variant is a non-conservative amino acid substitution, which is likely to impact secondary protein structure as these residues differ in polarity, charge, size and/or other properties. This substitution occurs at a position that is conserved across species. In silico analysis predicts this variant is probably damaging to the protein structure/function. Missense mutations in nearby residues (T151P, G153S, D156G, S160P) have been reported in association with mitochondrial neurogastointestinal encephalomyopathy (MNGIE) supporting the functional importance of this region of the protein. Therefore, this variant is a strong candidate for a pathogenic mutation, however the possibility that it is a benign variant cannot be excluded. The variant is found in MITONUC-MITOP panel(s).

NM_001953.5(TYMP):c.476A>T (p.Glu159Val)

Gene: TYMP (thymidine phosphorylase; minus strand). Cytogenetic location: 22q13.33.
Variant type: single nucleotide variant.
Coding change: c.476A>T on transcript NM_001953.5 (MANE Select); coding-DNA position 476, A replaced by T.
Protein change: p.Glu159Val; replaces glutamic acid 159 with valine.
Molecular consequence: missense variant.
Genome position (GRCh38, 1-based): chr22:50,528,552, T>A on the plus strand (A>T on the coding strand, the complement: TYMP is on the minus strand). VCF-style: chr22-50528552-T-A. GRCh37 (hg19) VCF-style: chr22-50966981-T-A.
Other names: c.476A>T, p.Glu159Val (LRG_727t1, LRG_727t2, NM_001113755.3 and 3 more transcripts); short protein forms E159V.
Identifiers: ClinVar variation 215333 (VCV000215333.2), dbSNP rs863224251, ClinGen allele CA325098.
Genomic context (GRCh38, chr22:50,528,552, plus strand): 5'-TGATCCGTGGCGCCCCGTACCTGCTCTGGGCTCTGGATGACATTGAATCCAGGAATAGAC[T>A]CCAGCTTATCCAAGGTGCCTCCTGTGTGCCCCAGACCACGTCCGCTGATCATTGGCACCT-3'
Protein context (NP_001944.1, residues 149-169): GHTGGTLDKL[Glu159Val]SIPGFNVIQS